The following is an entry in ClinVar:

ClinVar aggregate classification (germline): Pathogenic. Review status: criteria provided, multiple submitters, no conflicts (2 of 4 stars). 4 submissions from 4 submitters: Pathogenic (2). 2 of the submissions do not count toward it. Last evaluated 2025-08-04.

Conditions:
Epidermolytic hyperkeratosis 2A, autosomal dominant (EHK2A). Identifiers: MedGen C5882671, MONDO:0700248, OMIM 620150.

Submissions (4):

Labcorp Genetics (formerly Invitae), Labcorp
Classification: Pathogenic. Last evaluated: 2025-08-04. Review status: criteria provided, single submitter. Criteria: Invitae Variant Classification Sherloc (09022015). Collection method: clinical testing. Allele origin: germline.
Comment: This sequence change replaces methionine, which is neutral and non-polar, with threonine, which is neutral and polar, at codon 150 of the KRT10 protein (p.Met150Thr). This variant is not present in population databases (gnomAD no frequency). This missense change has been observed in individual(s) with autosomal dominant KRT10-related conditions (PMID: 7526210, 14705805, 15583602, 21271994). In at least one individual the variant was observed to be de novo. ClinVar contains an entry for this variant (Variation ID: 14579). Invitae Evidence Modeling of protein sequence and biophysical properties (such as structural, functional, and spatial information, amino acid conservation, physicochemical variation, residue mobility, and thermodynamic stability) has been performed for this missense variant. However, the output from this modeling did not meet the statistical confidence thresholds required to predict the impact of this variant on KRT10 protein function. This variant disrupts the p.Met150 amino acid residue in KRT10. Other variant(s) that disrupt this residue have been observed in individuals with KRT10-related conditions (PMID: 21271994), which suggests that this may be a clinically significant amino acid residue. For these reasons, this variant has been classified as Pathogenic.

GeneDx
Classification: Pathogenic. Last evaluated: 2016-12-07. Review status: criteria provided, single submitter. Criteria: GeneDx Variant Classification (06012015). Collection method: clinical testing. Allele origin: germline. Affected: yes.
Comment: The M150T variant has been reported previously in patients with epidermolytic hyperkeratosis, including as a de novo finding (Paller et al., 1994; Akiyama et al., 2003; Arin et al., 2011). It was not observed in approximately 6,500 individuals of European and African American ancestry in the NHLBI Exome Sequencing Project, indicating it is not a common benign variant in these populations. M150T is a non-conservative amino acid substitution, which is likely to impact secondary protein structure as these residues differ in polarity, charge, size and/or other properties. This substitution occurs within a known mutational hotspot region (helix initiation motif) that is highly conserved across all species and among all members of the keratin family. Many other pathogenic variants in patients with epidermolytic ichthyosis have been reported at the same (M150R) and in nearby residues (Q151P, L153/V, N154H) according to the Human Gene Mutation Database (Stenson et al., 2014). It is well established that keratin gene mutations affecting the residues at the ends of the central rod domains of the keratin proteins (helix initiation and termination motifs) interfere with proper keratin intermediate filament assembly and function, resulting in skin fragility and/or hyperkeratosis (Chamcheu et al., 2011). Therefore, M150T is pathogenic and consistent with a diagnosis of epidermolytic ichthyosis (EI, also known as epidermolytic hyperkeratosis or EHK). Of note, epidermolytic ichthyosis in most patients with a pathogenic KRT10 variant seems to spare the skin of palms and soles (none or very mild palmoplantar keratoderma).

OMIM
Classification: Pathogenic for EPIDERMOLYTIC HYPERKERATOSIS 2A, AUTOSOMAL DOMINANT. Last evaluated: 1994-11-24. Review status: no assertion criteria provided. Collection method: literature only. Allele origin: germline. Not counted in ClinVar's aggregate classification.

Epithelial Biology;  Institute of Medical Biology, Singapore
No classification provided. Review status: no classification provided. Collection method: not provided. Allele origin: not provided. Not counted in ClinVar's aggregate classification.

Literature cited by the submitters: PubMed 7526210 (cited by Labcorp Genetics (formerly Invitae), Labcorp and OMIM); PubMed 14705805 (cited by Labcorp Genetics (formerly Invitae), Labcorp); PubMed 15583602 (cited by Labcorp Genetics (formerly Invitae), Labcorp); PubMed 21271994 (cited by Labcorp Genetics (formerly Invitae), Labcorp); PubMed 2182100 (cited by OMIM).

NM_000421.5(KRT10):c.449T>C (p.Met150Thr)

Genes: KRT10 (keratin 10; minus strand), KRT10-AS1 (KRT10 antisense RNA 1; plus strand). Cytogenetic location: 17q21.2.
Variant type: single nucleotide variant.
Coding change: c.449T>C on transcript NM_000421.5 (MANE Select); coding-DNA position 449, T replaced by C.
Protein change: p.Met150Thr; replaces methionine 150 with threonine.
Molecular consequence: missense variant.
Genome position (GRCh38, 1-based): chr17:40,822,137, A>G on the plus strand (T>C on the coding strand, the complement: KRT10 is on the minus strand). VCF-style: chr17-40822137-A-G. GRCh37 (hg19) VCF-style: chr17-38978389-A-G.
Other names: c.449T>C, p.Met150Thr (NM_001379366.1); short protein forms M150T.
Identifiers: ClinVar variation 14579 (VCV000014579.6), dbSNP rs58901407, ClinGen allele CA124144.
Genomic context (GRCh38, chr17:40,822,137, plus strand): 5'-GATTCTTCCAGAGCCCGAACTTTGTCCAAGTAGGAAGCCAGGCGGTCATTCAGATTCTGC[A>G]TGGTTACTTTTTCATTTCCAGAGAGAAGGCCACCATCTCCTCCAAATCCACCACCAAAGC-3'
Protein context (NP_000412.4, residues 140-160): GLLSGNEKVT[Met150Thr]QNLNDRLASY